The following is an entry in ClinVar:

ClinVar aggregate classification (germline): Conflicting classifications of pathogenicity. Review status: criteria provided, conflicting classifications (1 of 4 stars). 8 submissions from 8 submitters: Uncertain significance (1); Benign (1); Likely benign (6). Last evaluated 2026-01-26.

Conditions:
Autoinflammatory syndrome. Identifiers: Orphanet 93665, MedGen C3890737, MONDO:0019751.
Hermansky-Pudlak syndrome 2 (HPS2). Also called: Platelet defects and oculocutaneous albinism. Identifiers: Orphanet 183678, Orphanet 79430, MedGen C1842362, MONDO:0011997, OMIM 608233.

Allele frequency attached by ClinVar (database versions not stated): gnomAD exomes 0.00039 and 0.00107; ExAC 0.00141; gnomAD 0.00366 and 0.00400; TOPMed 0.00403; 1000 Genomes Project 0.00419; 1000 Genomes Project 30x 0.00453; ESP Exome Variant Server 0.00461.
gnomAD v4.1: 1,188 of 1,613,844 alleles (0.074%); highest among the groups gnomAD compares: African/African-American, 1.4%; 8 homozygotes.

Submissions (8):

Labcorp Genetics (formerly Invitae), Labcorp
Classification: Benign for Hermansky-Pudlak syndrome 2. Last evaluated: 2026-01-26. Review status: criteria provided, single submitter. Criteria: Invitae Variant Classification Sherloc (09022015). Collection method: clinical testing. Allele origin: germline.

CeGaT Center for Human Genetics Tuebingen
Classification: Likely benign. Last evaluated: 2025-06-01. Review status: criteria provided, single submitter. Criteria: CeGaT Center For Human Genetics Tuebingen Variant Classification Criteria Version 2. Collection method: clinical testing. Allele origin: germline. Affected: yes. Observed: 1 variant allele.
Comment: AP3B1: BP4, BS1

Blueprint Genetics
Classification: Likely benign. Last evaluated: 2024-08-26. Review status: criteria provided, single submitter. Criteria: ACMG Guidelines, 2015. Collection method: clinical testing. Allele origin: germline.

Mayo Clinic Laboratories, Mayo Clinic
Classification: Likely benign. Last evaluated: 2024-05-07. Review status: criteria provided, single submitter. Criteria: ACMG Guidelines, 2015. Collection method: clinical testing. Allele origin: germline. Observed: 7 variant alleles.
Comment: BS1, BP4, PM1_supporting

Genome Diagnostics Laboratory, The Hospital for Sick Children
Classification: Likely benign for Autoinflammatory syndrome. Last evaluated: 2019-12-01. Review status: criteria provided, single submitter. Criteria: ACMG Guidelines, 2015. Collection method: clinical testing. Allele origin: germline. Affected: yes.

Illumina Laboratory Services, Illumina
Classification: Uncertain significance for Hermansky-Pudlak syndrome 2. Last evaluated: 2017-04-27. Review status: criteria provided, single submitter. Criteria: ICSL Variant Classification Criteria 13 December 2019. Collection method: clinical testing. Allele origin: germline.

Center for Pediatric Genomic Medicine, Children's Mercy Hospital and Clinics
Classification: Likely benign. Last evaluated: 2015-12-22. Review status: criteria provided, single submitter. Criteria: ACMG Guidelines, 2015. Collection method: clinical testing. Allele origin: germline.
ClinVar note: Converted during submission from Likely Benign to Likely benign.

Genetic Services Laboratory, University of Chicago
Classification: Likely benign. Last evaluated: 2015-11-03. Review status: criteria provided, single submitter. Criteria: ACMG Guidelines, 2015. Collection method: clinical testing. Allele origin: germline. Affected: no.

NM_003664.5(AP3B1):c.2042A>G (p.Glu681Gly)

Gene: AP3B1 (adaptor related protein complex 3 subunit beta 1; minus strand). Cytogenetic location: 5q14.1.
Variant type: single nucleotide variant.
Coding change: c.2042A>G on transcript NM_003664.5 (MANE Select); coding-DNA position 2042, A replaced by G.
Protein change: p.Glu681Gly; replaces glutamic acid 681 with glycine.
Molecular consequence: missense variant.
Genome position (GRCh38, 1-based): chr5:78,116,161, T>C on the plus strand (A>G on the coding strand, the complement: AP3B1 is on the minus strand). VCF-style: chr5-78116161-T-C. GRCh37 (hg19) VCF-style: chr5-77411985-T-C.
Other names: p.Glu681Gly; c.1895A>G, p.Glu632Gly (NM_001271769.2); short protein forms E681G, E632G.
Identifiers: ClinVar variation 235303 (VCV000235303.37), dbSNP rs113301033, ClinGen allele CA3316884.